The following is an entry in ClinVar:

ClinVar aggregate classification (germline): Pathogenic/Likely pathogenic. Review status: criteria provided, multiple submitters, no conflicts (2 of 4 stars). 2 submissions from 2 submitters: Pathogenic (1); Likely pathogenic (1). Last evaluated 2025-04-03.

Conditions:
Mucopolysaccharidosis, MPS-III-C (MPS3C). Also called: SANFILIPPO SYNDROME C; MPS III C; Mucopolysaccharidosis type IIIC (Sanfilippo C); MUCOPOLYSACCHARIDOSIS, TYPE IIIC; mucopolysaccharidosis type 3C; MPS IIIC (Sanfilippo Syndrome Type C). Identifiers: Orphanet 581, Orphanet 79271, MedGen C0086649, MONDO:0009657, OMIM 252930.
Retinitis pigmentosa 73 (RP73). Identifiers: Orphanet 791, MedGen C4225287, MONDO:0014687, OMIM 616544.

Submissions (2):

Natera, Inc.
Classification: Pathogenic for Mucopolysaccharidosis type IIIC. Last evaluated: 2025-04-03. Review status: criteria provided, single submitter. Criteria: Natera Variant Classification Schema (03/2026). Collection method: clinical testing. Allele origin: germline.
Comment: The c.1726+1G>A variant in HGSNAT is a canonical splice donor site variant predicted to affect pre-mRNA splicing, which may result in an abnormal transcript and altered protein product. This variant is expected to result in nonsense mediated decay, truncation, or a dysfunctional protein product. This variant is rare in the general population with a frequency below the threshold expected for the associated phenotype(s). This variant has been observed in one or more individuals affected with the associated recessive disease, as either homozygous or compound heterozygous with a second variant (PMID: 18024218). Additionally, this variant has been observed to segregate in affected family members (PMID: 18024218). Functional studies show that this variant may disrupt protein function (PMID: 17033958). Given the available evidence, this variant is classified as Pathogenic.

Labcorp Genetics (formerly Invitae), Labcorp
Classification: Likely pathogenic for Retinitis pigmentosa 73; Mucopolysaccharidosis, MPS-III-C. Last evaluated: 2025-03-17. Review status: criteria provided, single submitter. Criteria: Invitae Variant Classification Sherloc (09022015). Collection method: clinical testing. Allele origin: germline.
Comment: This sequence change affects a donor splice site in intron 17 of the HGSNAT gene. While this variant is not anticipated to result in nonsense mediated decay, it likely alters RNA splicing and results in a disrupted protein product. This variant is not present in population databases (gnomAD no frequency). Disruption of this splice site has been observed in individual(s) with mucopolysaccharidosis type III (PMID: 18024218). This variant is also known as c.1810+1G>A,p.S567NfsX14. ClinVar contains an entry for this variant (Variation ID: 2925436). Variants that disrupt the consensus splice site are a relatively common cause of aberrant splicing (PMID: 17576681, 9536098). Algorithms developed to predict the effect of sequence changes on RNA splicing suggest that this variant may disrupt the consensus splice site. In summary, the currently available evidence indicates that the variant is pathogenic, but additional data are needed to prove that conclusively. Therefore, this variant has been classified as Likely Pathogenic.

Literature cited by the submitters: PubMed 18024218 (cited by Natera, Inc. and Labcorp Genetics (formerly Invitae), Labcorp); PubMed 17033958 (cited by Natera, Inc.); PubMed 17576681 (cited by Labcorp Genetics (formerly Invitae), Labcorp); PubMed 9536098 (cited by Labcorp Genetics (formerly Invitae), Labcorp).

NM_152419.3(HGSNAT):c.1726+1G>A

Gene: HGSNAT (heparan-alpha-glucosaminide N-acetyltransferase; plus strand). Cytogenetic location: 8p11.21.
Variant type: single nucleotide variant.
Coding change: c.1726+1G>A on transcript NM_152419.3 (MANE Select); the canonical splice donor site of the intron after coding-DNA position 1726, G replaced by A.
Molecular consequence: splice donor variant.
Genome position (GRCh38, 1-based): chr8:43,197,953, G>A. VCF-style: chr8-43197953-G-A. GRCh37 (hg19) VCF-style: chr8-43053096-G-A.
Other names: c.1726+1G>A (NM_152419.2); c.1813+1G>A (NM_001363227.2); c.862+1G>A (NM_001363229.2); c.1534+1G>A (NM_001363228.2).
Identifiers: ClinVar variation 2925436 (VCV002925436.4), dbSNP rs2487119248, ClinGen allele CA371120871.